The following is an entry in ClinVar:

NM_001034853.2(RPGR):c.2548G>T (p.Glu850Ter)

Gene: RPGR (retinitis pigmentosa GTPase regulator; minus strand). Cytogenetic location: Xp11.4.
Variant type: single nucleotide variant.
Coding change: c.2548G>T on transcript NM_001034853.2 (MANE Select); coding-DNA position 2548, G replaced by T.
Protein change: p.Glu850Ter; replaces glutamic acid 850 with a stop codon.
Molecular consequence: nonsense. On other transcripts: intron variant (8).
Genome position (GRCh38, 1-based): chrX:38,286,451, C>A on the plus strand (G>T on the coding strand, the complement: RPGR is on the minus strand). VCF-style: chrX-38286451-C-A. GRCh37 (hg19) VCF-style: chrX-38145704-C-A.
Other names: c.1569+4508G>T (NM_001367249.1, NM_001367250.1); c.1902+643G>T (NM_001367245.1); c.1386+4508G>T (NM_001367251.1); c.1719+643G>T (NM_001367246.1); c.1572+4508G>T (NM_001367247.1); c.1905+643G>T (NM_000328.3); c.1602+4508G>T (NM_001367248.1); short protein forms E850*.
Identifiers: ClinVar variation 871439 (VCV000871439.43), dbSNP rs1601922074, ClinGen allele CA412730384.

ClinVar aggregate classification (germline): Pathogenic. Review status: criteria provided, multiple submitters, no conflicts (2 of 4 stars). 2 submissions from 2 submitters: Pathogenic (2). Last evaluated 2023-12-01.

Submissions (2):

CeGaT Center for Human Genetics Tuebingen
Classification: Pathogenic. Last evaluated: 2023-12-01. Review status: criteria provided, single submitter. Criteria: CeGaT Center For Human Genetics Tuebingen Variant Classification Criteria Version 2. Collection method: clinical testing. Allele origin: germline. Affected: yes. Observed: 3 variant alleles.
Comment: RPGR: PVS1:Strong, PM2, PP1:Moderate, PP4:Moderate

Institute of Medical Genetics and Applied Genomics, University Hospital Tübingen
Classification: Pathogenic. Last evaluated: 2021-06-17. Review status: criteria provided, single submitter. Criteria: ACMG Guidelines, 2015. Collection method: clinical testing. Allele origin: germline. Inheritance: X-linked recessive inheritance. Affected: yes.